The following is an entry in ClinVar:

ClinVar aggregate classification (germline): Uncertain significance (1 of 4 stars; one submission).

Conditions:
Cardiovascular phenotype. Identifiers: MedGen CN230736.

Allele frequency attached by ClinVar (database versions not stated): gnomAD exomes below 0.00001.
gnomAD v4.1: 2 of 1,613,948 alleles (0.00012%); highest among the groups gnomAD compares: Non-Finnish European, 0.00017%; no homozygotes.

Submission:

Ambry Genetics
Classification: Uncertain significance for Cardiovascular phenotype. Last evaluated: 2019-11-22. Review status: criteria provided, single submitter. Criteria: Ambry Variant Classification Scheme 2023. Collection method: clinical testing. Allele origin: germline.
Comment: The p.G733R variant (also known as c.2197G>A), located in coding exon 18 of the MYH7 gene, results from a G to A substitution at nucleotide position 2197. The glycine at codon 733 is replaced by arginine, an amino acid with dissimilar properties, and is located in the head domain. This variant has been detected in a dilated cardiomyopathy cohort; however, details were limited (Waldm&uuml;ller S et al. Eur. J. Heart Fail., 2011 Nov;13:1185-92). Other variants affecting this codon (p.G733E, c.2198G>A and p.G733V, c.2198G>T) have been reported in association with hypertrophic cardiomyopathy (Richard P et al. Circulation, 2003 May;107:2227-32; Berge KE et al. Clin. Genet., 2014 Oct;86:355-60). This amino acid position is highly conserved in available vertebrate species. In addition, this alteration is predicted to be deleterious by in silico analysis. Since supporting evidence is limited at this time, the clinical significance of this alteration remains unclear.

Literature cited by the submitters: PubMed 12707239; PubMed 21750094; PubMed 24111713; PubMed 25935763.

NM_000257.4(MYH7):c.2197G>A (p.Gly733Arg)

Gene: MYH7 (myosin heavy chain 7; minus strand). Cytogenetic location: 14q11.2.
Variant type: single nucleotide variant.
Coding change: c.2197G>A on transcript NM_000257.4 (MANE Select); coding-DNA position 2197, G replaced by A.
Protein change: p.Gly733Arg; replaces glycine 733 with arginine.
Molecular consequence: missense variant.
Genome position (GRCh38, 1-based): chr14:23,425,784, C>T on the plus strand (G>A on the coding strand, the complement: MYH7 is on the minus strand). VCF-style: chr14-23425784-C-T. GRCh37 (hg19) VCF-style: chr14-23894993-C-T.
Other names: c.2197G>A, p.Gly733Arg (NM_001407004.1); short protein forms G733R.
Identifiers: ClinVar variation 1787506 (VCV001787506.2), dbSNP rs2502288393, ClinGen allele CA389048929.
Genomic context (GRCh38, chr14:23,425,784, plus strand): 5'-GATCAATGTCCAGGGAGCTGAGCAGCTTCTCTGCCCCCTTCCTGCTATCAATGAACTGTC[C>T]CTCAGGGATGGCCGCTGGGTTCAGGATGCGATACCTGAGGAGGGAAGTGTCCAGAGTCAC-3'
Protein context (NP_000248.2, residues 723-743): RILNPAAIPE[Gly733Arg]QFIDSRKGAE